The following is an entry in ClinVar:

NM_153700.2(STRC):c.3217C>T (p.Arg1073Ter)

Gene: STRC (stereocilin; minus strand). Cytogenetic location: 15q15.3.
Variant type: single nucleotide variant.
Coding change: c.3217C>T on transcript NM_153700.2 (MANE Select); coding-DNA position 3217, C replaced by T.
Protein change: p.Arg1073Ter; replaces arginine 1073 with a stop codon.
Molecular consequence: nonsense.
Genome position (GRCh38, 1-based): chr15:43,611,237, G>A on the plus strand (C>T on the coding strand, the complement: STRC is on the minus strand). VCF-style: chr15-43611237-G-A. GRCh37 (hg19) VCF-style: chr15-43903435-G-A.
Other names: short protein forms R1073*.
Identifiers: ClinVar variation 228402 (VCV000228402.11), dbSNP rs876657725, ClinGen allele CA10576979.

ClinVar aggregate classification (germline): Pathogenic. Review status: criteria provided, multiple submitters, no conflicts (2 of 4 stars). 6 submissions from 6 submitters: Pathogenic (4). 2 of the submissions do not count toward it. Last evaluated 2026-05-21.

Conditions:
Monogenic hearing loss.
STRC-related disorder. Also called: STRC-related condition.
Rare genetic deafness. Identifiers: Orphanet 96210, MedGen C5680250.
Nonsyndromic genetic hearing loss. Also called: Nonsyndromic hearing loss and deafness; Non-syndromic genetic deafness; Nonsyndromic genetic deafness. Identifiers: Orphanet 87884, MedGen C5680182, MONDO:0019497.
Autosomal recessive nonsyndromic hearing loss 16. Also called: DFNB16 Nonsyndromic Hearing Loss and Deafness; DEAFNESS, AUTOSOMAL RECESSIVE 16. Identifiers: Orphanet 90636, MedGen C1863561, MONDO:0011364, OMIM 603720.

Allele frequency attached by ClinVar (database versions not stated): gnomAD 0.00003; gnomAD exomes 0.00001.

Submissions (6):

Genetics Laboratory, Great Ormond Street Hospital NHS Foundation Trust, North Thames Genomic Laboratory Hub
Classification: Pathogenic for Monogenic hearing loss. Last evaluated: 2026-05-21. Review status: criteria provided, single submitter. Criteria: ACGS Best Practice Guidelines for Variant Classification in Rare Disease 2024 v1.2. Collection method: clinical testing. Allele origin: germline. Affected: yes.
Comment: PM2_moderate, PVS1_very-strong, PM3_strong

Women's Health and Genetics/Laboratory Corporation of America, LabCorp
Classification: Pathogenic for Nonsyndromic genetic hearing loss. Last evaluated: 2026-04-24. Review status: criteria provided, single submitter. Criteria: LabCorp Variant Classification Summary - May 2015. Collection method: clinical testing. Allele origin: germline.
Comment: Variant summary: STRC c.3217C>T (p.Arg1073X) results in a premature termination codon, predicted to cause a truncation of the encoded protein or absence of the protein due to nonsense mediated decay, which are commonly known mechanisms for disease. The variant allele was found at a frequency of 1e-05 in 95826 control chromosomes. c.3217C>T has been observed in individual(s) affected with Nonsyndromic Hearing Loss And Deafness, Type 16. These data indicate that the variant may be associated with disease. To our knowledge, no experimental evidence demonstrating an impact on protein function has been reported. The following publication have been ascertained in the context of this evaluation (PMID: 29425068). ClinVar contains an entry for this variant (Variation ID: 228402). Based on the evidence outlined above, the variant was classified as pathogenic.

King Laboratory, University of Washington
Classification: Pathogenic for Autosomal recessive nonsyndromic hearing loss 16. Last evaluated: 2023-02-28. Review status: criteria provided, single submitter. Criteria: Li et al. (Genet Med. 2022). Collection method: research. Allele origin: unknown. Affected: yes.
Comment: This variant occurred in compound heterozygosity with an STRC full gene deletion in two siblings with bilateral sensorineural hearing loss of onset <18 years, in a study of pediatric hearing loss conducted by the King Laboratory (Carlson RJ et al. JAMA-OtoHNS 2023). The family has no other history of hearing loss. This variant is a nonsense leading to an early stop at position 1073 of 1775 in the stereocilin protein. As of January 2023, this variant has been reported to ClinVar as pathogenic and is found in 1 heterozygote on gnomAD. Based on the prediction that this variant leads to a truncated protein, compound heterozygosity with a loss-of-function variant, co-segregation within the family, and goodness of fit of genotype to phenotype, we conclude that this variant is pathogenic.

Laboratory for Molecular Medicine, Mass General Brigham Personalized Medicine
Classification: Pathogenic for Rare genetic deafness. Last evaluated: 2016-11-03. Review status: criteria provided, single submitter. Criteria: LMM Criteria. Collection method: clinical testing. Allele origin: germline. Inheritance: Autosomal recessive inheritance. Observed: 2 variant alleles.
Comment: Data from large population studies is insufficient to as sess the frequency of this variant. This nonsense variant leads to a premature t ermination codon at position 1073, which is predicted to lead to a truncated or absent protein. In summary, this variant meets criteria to be classified as path ogenic for hearing loss in an autosomal recessive manner based on its predicted impact to the protein.

PreventionGenetics, part of Exact Sciences
Classification: Pathogenic for STRC-related condition. Last evaluated: 2023-12-04. Review status: no assertion criteria provided. Collection method: clinical testing. Allele origin: germline. Not counted in ClinVar's aggregate classification.
Comment: The STRC c.3217C>T variant is predicted to result in premature protein termination (p.Arg1073*). This variant has been reported as pathogenic in patients with nonsyndromic hearing loss (Marková et al. 2018. PubMed ID: 29425068; Table S1, Safka Brozkova et al. 2020. PubMed ID: 32860223). This variant is reported in 0.0030% of alleles in individuals of European (Non-Finnish) descent in gnomAD, although due to sequence paralogy the allele frequency estimates at this locus may be unreliable. Nonsense variants in STRC are expected to be pathogenic. This variant is interpreted as pathogenic.

Zotz-Klimas Genetics Lab, MVZ Zotz Klimas
Classification: Pathogenic for Autosomal recessive nonsyndromic hearing loss 16. Last evaluated: 2023-11-24. Review status: no assertion criteria provided. Collection method: clinical testing. Allele origin: germline. Affected: yes. Not counted in ClinVar's aggregate classification.

Literature cited by the submitters: PubMed 29425068 (cited by Women's Health and Genetics/Laboratory Corporation of America, LabCorp); PubMed 36633841 (cited by King Laboratory, University of Washington).